The following is an entry in ClinVar:

ClinVar aggregate classification (germline): Pathogenic (1 of 4 stars; one submission).

Submission:

Labcorp Genetics (formerly Invitae), Labcorp
Classification: Pathogenic. Last evaluated: 2023-07-28. Review status: criteria provided, single submitter. Criteria: Invitae Variant Classification Sherloc (09022015). Collection method: clinical testing. Allele origin: germline.
Comment: For these reasons, this variant has been classified as Pathogenic. This sequence change creates a premature translational stop signal (p.Gln1025*) in the USH2A gene. It is expected to result in an absent or disrupted protein product. Loss-of-function variants in USH2A are known to be pathogenic (PMID: 10729113, 10909849, 20507924, 25649381). This variant is not present in population databases (gnomAD no frequency). This variant has not been reported in the literature in individuals affected with USH2A-related conditions. Algorithms developed to predict the effect of sequence changes on RNA splicing suggest that this variant may disrupt the consensus splice site.

Literature cited by the submitters: PubMed 10729113; PubMed 10909849; PubMed 20507924; PubMed 25649381.

NM_206933.4(USH2A):c.3073C>T (p.Gln1025Ter)

Genes: USH2A (usherin; minus strand), USH2A-AS1 (USH2A antisense RNA 1; plus strand). Cytogenetic location: 1q41.
Variant type: single nucleotide variant.
Coding change: c.3073C>T on transcript NM_206933.4 (MANE Select); coding-DNA position 3073, C replaced by T.
Protein change: p.Gln1025Ter; replaces glutamine 1025 with a stop codon.
Molecular consequence: nonsense.
Genome position (GRCh38, 1-based): chr1:216,217,471, G>A on the plus strand (C>T on the coding strand, the complement: USH2A is on the minus strand). VCF-style: chr1-216217471-G-A. GRCh37 (hg19) VCF-style: chr1-216390813-G-A.
Other names: c.3073C>T, p.Gln1025Ter (NM_007123.6); short protein forms Q1025*.
Identifiers: ClinVar variation 2847661 (VCV002847661.3), dbSNP rs2528087543, ClinGen allele CA344862852.